The following is an entry in ClinVar:

NM_182961.4(SYNE1):c.8865G>T (p.Glu2955Asp)

Genes: SYNE1 (spectrin repeat containing nuclear envelope protein 1; minus strand), SYNE1-AS1 (SYNE1 antisense RNA 1; plus strand). Cytogenetic location: 6q25.2.
Variant type: single nucleotide variant.
Coding change: c.8865G>T on transcript NM_182961.4 (MANE Select); coding-DNA position 8865, G replaced by T.
Protein change: p.Glu2955Asp; replaces glutamic acid 2955 with aspartic acid.
Molecular consequence: missense variant. On other transcripts: non-coding transcript variant (1).
Genome position (GRCh38, 1-based): chr6:152,381,150, C>A on the plus strand (G>T on the coding strand, the complement: SYNE1 is on the minus strand). VCF-style: chr6-152381150-C-A. GRCh37 (hg19) VCF-style: chr6-152702285-C-A.
Other names: c.8886G>T, p.Glu2962Asp (NM_033071.5); short protein forms E2955D, E2962D.
Identifiers: ClinVar variation 2684066 (VCV002684066.1), dbSNP rs758428038, ClinGen allele CA4057443.

ClinVar aggregate classification (germline): Uncertain significance (1 of 4 stars; one submission).

Allele frequency attached by ClinVar (database versions not stated): gnomAD exomes below 0.00001; ExAC 0.00001; gnomAD 0.00001.
gnomAD v4.1: 4 of 1,614,084 alleles (0.00025%); highest among the groups gnomAD compares: Non-Finnish European, 0.00034%; no homozygotes.

Submission:

Athena Diagnostics
Classification: Uncertain significance. Last evaluated: 2023-04-25. Review status: criteria provided, single submitter. Criteria: Athena Diagnostics Criteria. Collection method: clinical testing. Allele origin: unknown.
Comment: Available data are insufficient to determine the clinical significance of the variant at this time. The frequency of this variant in the general population is uninformative in assessment of its pathogenicity. Computational tools disagree on the variant's effect on normal protein function.